The following is an entry in ClinVar:

NM_015015.3(KDM4B):c.2429C>T (p.Thr810Ile)

Gene: KDM4B (lysine demethylase 4B; plus strand). Cytogenetic location: 19p13.3.
Variant type: single nucleotide variant.
Coding change: c.2429C>T on transcript NM_015015.3 (MANE Select); coding-DNA position 2429, C replaced by T.
Protein change: p.Thr810Ile; replaces threonine 810 with isoleucine.
Molecular consequence: missense variant.
Genome position (GRCh38, 1-based): chr19:5,137,664, C>T. VCF-style: chr19-5137664-C-T. GRCh37 (hg19) VCF-style: chr19-5137675-C-T.
Other names: short protein forms T810I.
Identifiers: ClinVar variation 1315492 (VCV001315492.3), dbSNP rs1046197986, ClinGen allele CA304586383.

ClinVar aggregate classification (germline): Uncertain significance (1 of 4 stars; one submission).

Allele frequency attached by ClinVar (database versions not stated): TOPMed 0.00001.

Submission:

GeneDx
Classification: Uncertain significance. Last evaluated: 2022-02-25. Review status: criteria provided, single submitter. Criteria: GeneDx Variant Classification Process June 2021. Collection method: clinical testing. Allele origin: germline. Affected: yes.
Comment: Not observed at significant frequency in large population cohorts (gnomAD); In silico analysis supports that this missense variant has a deleterious effect on protein structure/function; Has not been previously published as pathogenic or benign to our knowledge